The following is an entry in ClinVar:

NM_000277.3(PAH):c.836C>T (p.Pro279Leu)

Gene: PAH (phenylalanine hydroxylase; minus strand). Cytogenetic location: 12q23.2.
Variant type: single nucleotide variant.
Coding change: c.836C>T on transcript NM_000277.3 (MANE Select); coding-DNA position 836, C replaced by T.
Protein change: p.Pro279Leu; replaces proline 279 with leucine.
Molecular consequence: missense variant.
Genome position (GRCh38, 1-based): chr12:102,852,821, G>A on the plus strand (C>T on the coding strand, the complement: PAH is on the minus strand). VCF-style: chr12-102852821-G-A. GRCh37 (hg19) VCF-style: chr12-103246599-G-A.
Other names: c.836C>T, p.Pro279Leu (NM_001354304.2); short protein forms P279L.
Identifiers: ClinVar variation 208181 (VCV000208181.9), dbSNP rs796064503, ClinGen allele CA275939.

ClinVar aggregate classification (germline): Pathogenic/Likely pathogenic. Review status: criteria provided, multiple submitters, no conflicts (2 of 4 stars). 6 submissions from 6 submitters: Pathogenic (4); Likely pathogenic (1). 1 of the submissions does not count toward it. Last evaluated 2025-05-13.

Conditions:
Phenylketonuria (PKU). Also called: FOLLING DISEASE; OLIGOPHRENIA PHENYLPYRUVICA; Phenylketonurias; Phenylketonuria (PKU). Identifiers: Orphanet 716, MedGen C0031485, MONDO:0009861, OMIM 261600. Disease mechanism: loss of function.

Allele frequency attached by ClinVar (database versions not stated): gnomAD exomes below 0.00001.
gnomAD v4.1: 1 of 1,614,050 alleles (0.000062%); highest among the groups gnomAD compares: Non-Finnish European, 0.000085%; no homozygotes.

Submissions (6):

Myriad Genetics, Inc.
Classification: Likely pathogenic for Phenylketonuria. Last evaluated: 2025-05-13. Review status: criteria provided, single submitter. Criteria: Myriad Autosomal Dominant, Autosomal Recessive and X-Linked Classification Criteria (2023). Collection method: clinical testing. Allele origin: unknown.
Comment: NM_000277.1(PAH):c.836C>T(P279L) is a missense variant classified as likely pathogenic in the context of phenylalanine hydroxylase deficiency. P279L has been observed in cases with relevant disease (PMID: 21890392, 32668217, 25551302). Relevant functional assessments of this variant are not available in the literature. P279L has not been observed in referenced population frequency databases. In summary, NM_000277.1(PAH):c.836C>T(P279L) is a missense variant that has been observed more frequently in cases with the relevant disease than in healthy populations. Please note: this variant was assessed in the context of healthy population screening.

Labcorp Genetics (formerly Invitae), Labcorp
Classification: Pathogenic for Phenylketonuria. Last evaluated: 2023-12-12. Review status: criteria provided, single submitter. Criteria: Invitae Variant Classification Sherloc (09022015). Collection method: clinical testing. Allele origin: germline.
Comment: This sequence change replaces proline, which is neutral and non-polar, with leucine, which is neutral and non-polar, at codon 279 of the PAH protein (p.Pro279Leu). This variant is not present in population databases (gnomAD no frequency). This missense change has been observed in individual(s) with hyperphenylalaninemia (PMID: 21890392, 32668217). In at least one individual the data is consistent with being in trans (on the opposite chromosome) from a pathogenic variant. It has also been observed to segregate with disease in related individuals. ClinVar contains an entry for this variant (Variation ID: 208181). Advanced modeling of protein sequence and biophysical properties (such as structural, functional, and spatial information, amino acid conservation, physicochemical variation, residue mobility, and thermodynamic stability) performed at Invitae indicates that this missense variant is expected to disrupt PAH protein function with a positive predictive value of 80%. This variant disrupts the p.Pro279 amino acid residue in PAH. Other variant(s) that disrupt this residue have been determined to be pathogenic (Invitae). This suggests that this residue is clinically significant, and that variants that disrupt this residue are likely to be disease-causing. For these reasons, this variant has been classified as Pathogenic.

Baylor Genetics
Classification: Pathogenic for Phenylketonuria. Last evaluated: 2023-07-22. Review status: criteria provided, single submitter. Criteria: ACMG Guidelines, 2015. Collection method: clinical testing. Allele origin: unknown.

Women's Health and Genetics/Laboratory Corporation of America, LabCorp
Classification: Pathogenic for Phenylketonuria. Last evaluated: 2023-05-16. Review status: criteria provided, single submitter. Criteria: LabCorp Variant Classification Summary - May 2015. Collection method: clinical testing. Allele origin: germline.
Comment: Variant summary: PAH c.836C>T (p.Pro279Leu) results in a non-conservative amino acid change to a highly conserved residue (HGMD) located in the Aromatic amino acid hydroxylase, C-terminal (IPR019774) of the encoded protein sequence. Five of five in-silico tools predict a damaging effect of the variant on protein function. The variant was absent in 251286 control chromosomes. c.836C>T has been reported in the literature in multiple individuals affected with Phenylalanine Hydroxylase Deficiency (Phenylketonuria, Kostandyan_2011, Williams_2015, Hillert_2020), and some were reported as compound heterozygous with other pathogenic variants. These data indicate that the variant is very likely to be associated with disease. No clinical diagnostic laboratories have submitted clinical-significance assessments for this variant to ClinVar after 2014. Based on the evidence outlined above, the variant was classified as pathogenic.

Laboratory for Molecular Medicine, Mass General Brigham Personalized Medicine
Classification: Pathogenic for Phenylketonuria. Last evaluated: 2022-06-30. Review status: criteria provided, single submitter. Criteria: ACMG Guidelines, 2015. Collection method: clinical testing. Allele origin: germline.
Comment: The p.Pro279Leu variant in PAH has been reported in 4 individuals with phenylketonuria all of whom were compound heterozygous with a second pathogenic variant (Kostandyan 2011 PMID: 21890392, Hillert 2020 PMID: 32668217), and segregated with disease in one affected sibling (Kostandyan 2011 PMID: 21890392). The variant was absent in large population studies. Computational prediction tools and conservation analysis suggest that this variant may impact the protein, though this information is not predictive enough to determine pathogenicity. In summary, this variant meets criteria to be classified as pathogenic for autosomal recessive phenylketonuria. ACMG/AMP criteria applied: PM3_VeryStrong, PM2_Supporting, PP1, PP3.

Inserm U 954, Faculté de Médecine de Nancy
Classification: Likely pathogenic. Review status: no assertion criteria provided. Collection method: not provided. Allele origin: unknown. Not counted in ClinVar's aggregate classification.
Comment: PKU
ClinVar note: Converted during submission from probable-pathogenic to Likely pathogenic.

Literature cited by the submitters: PubMed 21890392 (cited by 3 submitters); PubMed 25551302 (cited by Myriad Genetics, Inc. and Women's Health and Genetics/Laboratory Corporation of America, LabCorp); PubMed 32668217 (cited by 3 submitters).